The following is an entry in ClinVar:

NM_000070.3(CAPN3):c.550A>G (p.Thr184Ala)

Gene: CAPN3 (calpain 3; plus strand). Cytogenetic location: 15q15.1.
Variant type: single nucleotide variant.
Coding change: c.550A>G on transcript NM_000070.3 (MANE Select); coding-DNA position 550, A replaced by G.
Protein change: p.Thr184Ala; replaces threonine 184 with alanine.
Molecular consequence: missense variant.
Genome position (GRCh38, 1-based): chr15:42,387,804, A>G. VCF-style: chr15-42387804-A-G. GRCh37 (hg19) VCF-style: chr15-42680002-A-G.
Other names: c.550A>G, p.Thr184Ala (NM_024344.2, NM_173087.2); short protein forms T184A.
Identifiers: ClinVar variation 662930 (VCV000662930.10), dbSNP rs1159580160, ClinGen allele CA391997851.
Genomic context (GRCh38, chr15:42,387,804, plus strand): 5'-TCTGTGCAGTTCTGGCGCTATGGAGAGTGGGTGGACGTGGTTATAGATGACTGCCTGCCA[A>G]CGTACAACAATCAACTGGTTTTCACCAAGTCCAACCACCGCAATGAGTTCTGGAGTGCTC-3'
Protein context (NP_000061.1, residues 174-194): VDVVIDDCLP[Thr184Ala]YNNQLVFTKS

ClinVar aggregate classification (germline): Conflicting classifications of pathogenicity. Review status: criteria provided, conflicting classifications (1 of 4 stars). 3 submissions from 3 submitters: Likely pathogenic (2); Uncertain significance (1). Last evaluated 2025-08-18.

Conditions:
Autosomal recessive limb-girdle muscular dystrophy type 2A (LGMDR1). Also called: MUSCULAR DYSTROPHY, PELVOFEMORAL; Limb-girdle muscular dystrophy, type 2A; Muscular dystrophy, limb-girdle, type 2A, Amish; LEYDEN-MOEBIUS MUSCULAR DYSTROPHY; Calpainopathy. Identifiers: Orphanet 267, MedGen C1869123, MONDO:0009675, OMIM 253600. Disease mechanism: loss of function.
Muscular dystrophy, limb-girdle, autosomal dominant 4. Also called: Calpain-3-related limb-girdle muscular dystrophy D4; MUSCULAR DYSTROPHY, LIMB-GIRDLE, TYPE 1I. Identifiers: Orphanet 565909, MedGen C4748295, MONDO:0029133, OMIM 618129.

Allele frequency attached by ClinVar (database versions not stated): gnomAD exomes below 0.00001; gnomAD 0.00001; TOPMed 0.00001.

Submissions (3):

Natera, Inc.
Classification: Likely pathogenic for Limb-girdle muscular dystrophy type 2A. Last evaluated: 2025-08-18. Review status: criteria provided, single submitter. Criteria: Natera Variant Classification Schema (03/2026). Collection method: clinical testing. Allele origin: germline.
Comment: The c.550A>G variant in CAPN3 is a missense variant predicted to cause substitution of threonine to alanine at amino acid 184. This variant is rare in the general population with a frequency below the threshold expected for the associated phenotype(s). This variant has been observed in one or more individuals affected with the associated recessive disease, as either homozygous or compound heterozygous with a second variant (PMID: 31268554). Computational prediction algorithms indicate this variant is likely to affect gene or protein function. Given the available evidence, this variant is classified as Likely Pathogenic.

Fulgent Genetics
Classification: Likely pathogenic for Autosomal recessive limb-girdle muscular dystrophy type 2A; Muscular dystrophy, limb-girdle, autosomal dominant 4. Last evaluated: 2024-06-20. Review status: criteria provided, single submitter. Criteria: ACMG Guidelines, 2015. Collection method: clinical testing. Allele origin: germline.

Labcorp Genetics (formerly Invitae), Labcorp
Classification: Uncertain significance for Autosomal recessive limb-girdle muscular dystrophy type 2A. Last evaluated: 2024-03-09. Review status: criteria provided, single submitter. Criteria: Invitae Variant Classification Sherloc (09022015). Collection method: clinical testing. Allele origin: germline.
Comment: This sequence change replaces threonine, which is neutral and polar, with alanine, which is neutral and non-polar, at codon 184 of the CAPN3 protein (p.Thr184Ala). This variant is present in population databases (no rsID available, gnomAD 0.01%). This missense change has been observed in individual(s) with clinical features of autosomal recessive CAPN3-related conditions (PMID: 31268554). ClinVar contains an entry for this variant (Variation ID: 662930). Advanced modeling of protein sequence and biophysical properties (such as structural, functional, and spatial information, amino acid conservation, physicochemical variation, residue mobility, and thermodynamic stability) performed at Invitae indicates that this missense variant is not expected to disrupt CAPN3 protein function with a negative predictive value of 80%. In summary, the available evidence is currently insufficient to determine the role of this variant in disease. Therefore, it has been classified as a Variant of Uncertain Significance.

Literature cited by the submitters: PubMed 31268554 (cited by Natera, Inc. and Labcorp Genetics (formerly Invitae), Labcorp).